The following is an entry in ClinVar:

NM_004360.5(CDH1):c.154C>G (p.Leu52Val)

Gene: CDH1 (cadherin 1; plus strand). Cytogenetic location: 16q22.1.
Variant type: single nucleotide variant.
Coding change: c.154C>G on transcript NM_004360.5 (MANE Select); coding-DNA position 154, C replaced by G.
Protein change: p.Leu52Val; replaces leucine 52 with valine.
Molecular consequence: missense variant. On other transcripts: 5 prime UTR variant (2).
Genome position (GRCh38, 1-based): chr16:68,738,402, C>G. VCF-style: chr16-68738402-C-G. GRCh37 (hg19) VCF-style: chr16-68772305-C-G.
Other names: c.154C>G, p.Leu52Val (NM_001317184.2); c.-1462C>G (NM_001317185.2); c.-1666C>G (NM_001317186.2); short protein forms L52V.
Identifiers: ClinVar variation 4734257 (VCV004734257.1).

ClinVar aggregate classification (germline): Uncertain significance (1 of 4 stars; one submission).

Conditions:
Hereditary diffuse gastric adenocarcinoma (HDGC). Also called: DIFFUSE GASTRIC AND LOBULAR BREAST CANCER SYNDROME. Identifiers: Orphanet 26106, MedGen C1708349, MONDO:0007648, OMIM 137215.

Submission:

Labcorp Genetics (formerly Invitae), Labcorp
Classification: Uncertain significance for Hereditary diffuse gastric adenocarcinoma. Last evaluated: 2025-12-28. Review status: criteria provided, single submitter. Criteria: Invitae Variant Classification Sherloc (09022015). Collection method: clinical testing. Allele origin: germline.
Comment: This sequence change replaces leucine, which is neutral and non-polar, with valine, which is neutral and non-polar, at codon 52 of the CDH1 protein (p.Leu52Val). This variant is not present in population databases (gnomAD no frequency). This variant has not been reported in the literature in individuals affected with CDH1-related conditions. An algorithm developed to predict the effect of missense changes on protein structure and function (PolyPhen-2) suggests that this variant is likely to be disruptive. In summary, the available evidence is currently insufficient to determine the role of this variant in disease. Therefore, it has been classified as a Variant of Uncertain Significance.